The following is an entry in ClinVar:

ClinVar aggregate classification (germline): Likely benign (0 of 4 stars; one submission).

Conditions:
SH2B1-related disorder. Also called: SH2B1-related condition.

gnomAD v4.1: 17 of 1,612,014 alleles (0.0011%); highest among the groups gnomAD compares: Middle Eastern, 0.016%; no homozygotes.

Submission:

PreventionGenetics, part of Exact Sciences
Classification: Likely benign for SH2B1-related condition. Last evaluated: 2022-05-16. Review status: no assertion criteria provided. Collection method: clinical testing. Allele origin: germline.
Comment: This variant is classified as likely benign based on ACMG/AMP sequence variant interpretation guidelines (Richards et al. 2015 PMID: 25741868, with internal and published modifications).

NM_001387430.1(SH2B1):c.1897+35C>T

Gene: SH2B1 (SH2B adaptor protein 1; plus strand). Cytogenetic location: 16p11.2.
Variant type: single nucleotide variant.
Coding change: c.1897+35C>T on transcript NM_001387430.1 (MANE Select); 35 bases into the intron after coding-DNA position 1897, C replaced by T.
Molecular consequence: intron variant. On other transcripts: synonymous variant (1).
Genome position (GRCh38, 1-based): chr16:28,872,740, C>T. VCF-style: chr16-28872740-C-T. GRCh37 (hg19) VCF-style: chr16-28884061-C-T.
Other names: c.1932C>T, p.Pro644= (NM_001145797.2); c.1897+35C>T (NM_001308293.2, NM_001387404.1, NM_015503.3 and 3 more transcripts); c.889+35C>T (NM_001308294.2).
Identifiers: ClinVar variation 3355407 (VCV003355407.1).
Genomic context (GRCh38, chr16:28,872,740, plus strand): 5'-TGTCCCATCCTCCCAGCGACAGCAGGGTGAGCAGAGCAGGTCTGCAGGGGAGGAGGTGCC[C>T]GTGCACCCAAGAAGTGAGGTGTGTGTGCCAGAAAGATGGGGCGGGGAGGGGGGACTATCA-3'